The following is an entry in ClinVar:

ClinVar aggregate classification (germline): Uncertain significance (1 of 4 stars; one submission).

Conditions:
Congenital insensitivity to pain-hypohidrosis syndrome. Also called: HSAN VIII; Neuropathy, hereditary sensory and autonomic, type VIII. Identifiers: Orphanet 478664, MedGen C4225308, MONDO:0014662, OMIM 616488.

Submission:

Labcorp Genetics (formerly Invitae), Labcorp
Classification: Uncertain significance for Congenital insensitivity to pain-hypohidrosis syndrome. Last evaluated: 2018-06-07. Review status: criteria provided, single submitter. Criteria: Invitae Variant Classification Sherloc (09022015). Collection method: clinical testing. Allele origin: germline.
Comment: In summary, this variant is a rare in-frame duplication that has been shown to affect protein function. While it is absent from the population and reported in affected individuals, the available evidence is currently insufficient to determine its role in disease. Therefore, it has been classified as a Variant of Uncertain Significance. Experimental studies have shown that this polyalanine expansion variant forms aggregates and reduces PRDM12 expression in vitro (PMID: 26005867). This variant has been reported to segregate with congenital insensitivity to pain in a single family (PMID: 26005867). This variant is not present in population databases (ExAC no frequency). This sequence change inserts 21 nucleotides in exon 5 of the PRDM12 mRNA (c.1056_1076dup). This leads to the insertion of 7 alanine amino acid residuer in the PRDM12 protein (p.Ala353_Ala359dup) but otherwise preserves the integrity of the reading frame.

Literature cited by the submitters: PubMed 26005867.

NM_021619.3(PRDM12):c.1041CGC[19] (p.Ala353_Ala359dup)

Gene: PRDM12 (PR/SET domain 12; plus strand). Cytogenetic location: 9q34.12.
Variant type: Microsatellite.
Coding change: c.1041CGC[19] on transcript NM_021619.3 (MANE Select); 19 copies in a row of the 3-base unit CGC starting at c.1041; the reference has 12 copies in a row; seven copies, 21 bases duplicated.
Protein change: p.Ala353_Ala359dup.
Molecular consequence: inframe insertion.
Genome position (GRCh38, 1-based): chr9:130,681,621-130,681,641, CGCCGCCGCCGCCGCCGCCGC duplicated; duplicating any 21 consecutive bases within chr9:130,681,606-130,681,641 gives the same sequence; the position shown is the placement nearest the transcript's 3' end. VCF-style (leftmost placement, unchanged base first): chr9-130681605-T-TCGCCGCCGCCGCCGCCGCCGC. GRCh37 (hg19) VCF-style: chr9-133556992-T-TCGCCGCCGCCGCCGCCGCCGC.
Identifiers: ClinVar variation 475806 (VCV000475806.5), dbSNP rs752427775, ClinGen allele CA658657912.
Genomic context (GRCh38, chr9:130,681,605, plus strand): 5'-GCACCGCGCTGCAGGCACACTCGCCCGCGCTGCCCGCCCCGCACGCGCACGCGCCCGCGC[T>TCGCCGCCGCCGCCGCCGCCGC]CGCCGCCGCCGCCGCCGCCGCCGCCGCCGCCGCCGCGCACCACCTGCCGGCCATGGTGCT-3'